The following is an entry in ClinVar:

NM_004287.5(GOSR2):c.627G>C (p.Gln209His)

Genes: GOSR2 (golgi SNAP receptor complex member 2; plus strand), LRRC37A2 (leucine rich repeat containing 37 member A2). Cytogenetic location: 17q21.32.
Variant type: single nucleotide variant.
Coding change: c.627G>C on transcript NM_004287.5 (MANE Select); coding-DNA position 627, G replaced by C.
Protein change: p.Gln209His; replaces glutamine 209 with histidine.
Molecular consequence: missense variant. On other transcripts: intron variant (3).
Genome position (GRCh38, 1-based): chr17:46,938,748, G>C. VCF-style: chr17-46938748-G-C. GRCh37 (hg19) VCF-style: chr17-45016114-G-C.
Other names: c.432G>C, p.Gln144His (NM_001321134.2); c.486G>C, p.Gln162His (NM_001330252.2); c.624G>C, p.Gln208His (NM_001353114.2); c.483G>C, p.Gln161His (NM_001353115.2); c.573G>C, p.Gln191His (NM_001363851.2); c.583+44G>C (NM_001321133.2, NM_054022.4); c.439+44G>C (NM_001353116.2); short protein forms Q144H, Q161H, Q162H, Q191H, Q208H, Q209H.
Identifiers: ClinVar variation 2444685 (VCV002444685.1), dbSNP rs2546346784, ClinGen allele CA400019229.
Genomic context (GRCh38, chr17:46,938,748, plus strand): 5'-CAAGTACTTTATGATAGGTGGGATGCTGCTGACCTGTGTGGTCATGTTCCTCGTGGTGCA[G>C]TACCTGACATGAGCCAGCCACGCTCAGTGGCTGAACAGCATTCCCACAGCCTGCAAGTGT-3'
Protein context (NP_004278.2, residues 199-212): LTCVVMFLVV[Gln209His]YLT

ClinVar aggregate classification (germline): Uncertain significance (1 of 4 stars; one submission).

Submission:

GeneDx
Classification: Uncertain significance. Last evaluated: 2022-09-14. Review status: criteria provided, single submitter. Criteria: GeneDx Variant Classification Process June 2021. Collection method: clinical testing. Allele origin: germline. Affected: yes.
Comment: Not observed at significant frequency in large population cohorts (gnomAD); In silico analysis supports that this missense variant does not alter protein structure/function; Has not been previously published as pathogenic or benign to our knowledge